The following is an entry in ClinVar:

NC_000003.11:g.(?_182769927)_(182817228_?)del

Gene: MCCC1 (methylcrotonyl-CoA carboxylase subunit 1; minus strand). Cytogenetic location: 3q27.1.
Variant type: Deletion.
Identifiers: ClinVar variation 2426519 (VCV002426519.4).

ClinVar aggregate classification (germline): Pathogenic (1 of 4 stars; one submission).

Conditions:
3-methylcrotonyl-CoA carboxylase 1 deficiency (MCC1D). Also called: MCCD TYPE 1; METHYLCROTONYLGLYCINURIA TYPE I; MCC 1 deficiency; 3 Alpha methylcrotonylglycinuria 1. Identifiers: Orphanet 6, MedGen CN028786, MONDO:0008861, OMIM 210200.

Submission:

Labcorp Genetics (formerly Invitae), Labcorp
Classification: Pathogenic for 3-methylcrotonyl-CoA carboxylase 1 deficiency. Last evaluated: 2022-03-27. Review status: criteria provided, single submitter. Criteria: Invitae Variant Classification Sherloc (09022015). Collection method: clinical testing. Allele origin: germline.
Comment: For these reasons, this variant has been classified as Pathogenic. This variant has not been reported in the literature in individuals affected with MCCC1-related conditions. This variant is a gross deletion of the genomic region encompassing exon(s) 1-9 of the MCCC1 gene, which includes the initiator codon. This deletion extends beyond the assayed region for this gene and therefore may encompass additional genes. It is expected to result in an absent or disrupted protein product. Loss-of-function variants in MCCC1 are known to be pathogenic (PMID: 11181649, 15359379, 22642865).

Literature cited by the submitters: PubMed 11181649; PubMed 15359379; PubMed 22642865.